The following is an entry in ClinVar:

NM_033409.4(SLC52A3):c.1067C>T (p.Pro356Leu)

Gene: SLC52A3 (solute carrier family 52 member 3; minus strand). Cytogenetic location: 20p13.
Variant type: single nucleotide variant.
Coding change: c.1067C>T on transcript NM_033409.4 (MANE Select); coding-DNA position 1067, C replaced by T.
Protein change: p.Pro356Leu; replaces proline 356 with leucine.
Molecular consequence: missense variant.
Genome position (GRCh38, 1-based): chr20:763,504, G>A on the plus strand (C>T on the coding strand, the complement: SLC52A3 is on the minus strand). VCF-style: chr20-763504-G-A. GRCh37 (hg19) VCF-style: chr20-744148-G-A.
Other names: c.1067C>T, p.Pro356Leu (NM_001370085.1, NM_001370086.1); short protein forms P356L.
Identifiers: ClinVar variation 4538183 (VCV004538183.1).

ClinVar aggregate classification (germline): Uncertain significance (1 of 4 stars; one submission).

Submission:

GeneDx
Classification: Uncertain significance. Last evaluated: 2025-06-10. Review status: criteria provided, single submitter. Criteria: GeneDx Variant Classification Process June 2021. Collection method: clinical testing. Allele origin: germline. Affected: yes.
Comment: Not observed at significant frequency in large population cohorts (gnomAD); In silico analysis supports that this missense variant has a deleterious effect on protein structure/function; Has not been previously published as pathogenic or benign to our knowledge